The following is an entry in ClinVar:

ClinVar aggregate classification (germline): Uncertain significance (1 of 4 stars; one submission).

Conditions:
Hereditary cancer-predisposing syndrome. Also called: Neoplastic Syndromes, Hereditary; Tumor predisposition; Hereditary neoplastic syndrome; Hereditary Cancer Syndrome. Identifiers: Orphanet 140162, MedGen C0027672, MeSH D009386, MONDO:0015356.

Submission:

Ambry Genetics
Classification: Uncertain significance for Hereditary cancer-predisposing syndrome. Last evaluated: 2024-01-21. Review status: criteria provided, single submitter. Criteria: Ambry Variant Classification Scheme 2023. Collection method: clinical testing. Allele origin: germline.
Comment: The p.K369E variant (also known as c.1105A>G), located in coding exon 10 of the PMS2 gene, results from an A to G substitution at nucleotide position 1105. The lysine at codon 369 is replaced by glutamic acid, an amino acid with similar properties. This amino acid position is conserved. In addition, this alteration is predicted to be deleterious by in silico analysis. Based on the available evidence, the clinical significance of this alteration remains unclear.

NM_000535.7(PMS2):c.1105A>G (p.Lys369Glu)

Gene: PMS2 (PMS1 homolog 2, mismatch repair system component; minus strand). Cytogenetic location: 7p22.1.
Variant type: single nucleotide variant.
Coding change: c.1105A>G on transcript NM_000535.7 (MANE Select); coding-DNA position 1105, A replaced by G.
Protein change: p.Lys369Glu; replaces lysine 369 with glutamic acid.
Molecular consequence: missense variant. On other transcripts: non-coding transcript variant (1), intron variant (10).
Genome position (GRCh38, 1-based): chr7:5,989,839, T>C on the plus strand (A>G on the coding strand, the complement: PMS2 is on the minus strand). VCF-style: chr7-5989839-T-C. GRCh37 (hg19) VCF-style: chr7-6029470-T-C.
Other names: c.700A>G, p.Lys234Glu (NM_001018040.1, NM_001322003.2, NM_001322004.2 and 17 more transcripts); c.787A>G, p.Lys263Glu (NM_001322007.2, NM_001322008.2, NM_001406876.1 and 2 more transcripts); c.172A>G, p.Lys58Glu (NM_001322011.2, NM_001322012.2); c.532A>G, p.Lys178Glu (NM_001322013.2, NM_001406909.1); c.1105A>G, p.Lys369Glu (NM_001322014.2, NM_001406871.1, NM_001406872.1); c.796A>G, p.Lys266Glu (NM_001322015.2, NM_001406875.1, NM_001406877.1 and 5 more transcripts); c.1291A>G, p.Lys431Glu (NM_001406866.1); c.1129A>G, p.Lys377Glu (NM_001406868.1); and 13 more; short protein forms K112E, K178E, K198E, K234E, K247E, K257E, K263E, K266E.
Identifiers: ClinVar variation 3231971 (VCV003231971.1), dbSNP rs2128747446, ClinGen allele CA366742797.
Genomic context (GRCh38, chr7:5,989,839, plus strand): 5'-TGTACACTGTATTTTTCTTACCTTCAACATCCAGCAGTGGCTGCTGACTGACATTTAGCT[T>C]GTTGACATCACTATCAAACATTCCTATCAAAGAGGTCTTTAAAACTGCCAACAAAAGCTT-3'
Protein context (NP_000526.2, residues 359-379): LIGMFDSDVN[Lys369Glu]LNVSQQPLLD